The following is an entry in ClinVar:

ClinVar aggregate classification (germline): Pathogenic. Review status: criteria provided, multiple submitters, no conflicts (2 of 4 stars). 2 submissions from 2 submitters: Pathogenic (2). Last evaluated 2020-05-25.

Conditions:
Hereditary cancer-predisposing syndrome. Also called: Hereditary Cancer Syndrome; Neoplastic Syndromes, Hereditary; Tumor predisposition; Hereditary neoplastic syndrome. Identifiers: Orphanet 140162, MedGen C0027672, MeSH D009386, MONDO:0015356.
Ataxia-telangiectasia syndrome (AT). Also called: Cerebello-oculocutaneous telangiectasia; Immunodeficiency with ataxia telangiectasia; Ataxia-telangiectasia, complementation group E; Ataxia-telangiectasia, complementation group D; AT, COMPLEMENTATION GROUP C; ATAXIA-TELANGIECTASIA, COMPLEMENTATION GROUP A. Identifiers: Orphanet 100, MedGen C0004135, MONDO:0008840, OMIM 208900.

Allele frequency attached by ClinVar (database versions not stated): gnomAD exomes below 0.00001; TOPMed below 0.00001; ExAC 0.00001; gnomAD 0.00001.
gnomAD v4.1: 4 of 1,613,662 alleles (0.00025%); highest among the groups gnomAD compares: Non-Finnish European, 0.00034%; no homozygotes.

Submissions (2):

Labcorp Genetics (formerly Invitae), Labcorp
Classification: Pathogenic for Ataxia-telangiectasia syndrome. Last evaluated: 2020-05-25. Review status: criteria provided, single submitter. Criteria: Invitae Variant Classification Sherloc (09022015). Collection method: clinical testing. Allele origin: germline.
Comment: For these reasons, this variant has been classified as Pathogenic. Loss-of-function variants in ATM are known to be pathogenic (PMID: 23807571, 25614872). ClinVar contains an entry for this variant (Variation ID: 490708). This variant is present in population databases (rs781215442, ExAC 0.002%). This sequence change creates a premature translational stop signal (p.Gln2593*) in the ATM gene. It is expected to result in an absent or disrupted protein product.

Color Diagnostics, LLC DBA Color Health
Classification: Pathogenic for Hereditary cancer-predisposing syndrome. Last evaluated: 2020-01-15. Review status: criteria provided, single submitter. Criteria: ACMG Guidelines, 2015. Collection method: clinical testing. Allele origin: germline.
Comment: This variant changes 1 nucleotide in exon 52 of the ATM gene, creating a premature translation stop signal. This variant is expected to result in an absent or non-functional protein product. This variant has been identified in 1/250884 chromosomes in the general population by the Genome Aggregation Database (gnomAD). Loss of ATM function is a known mechanism of disease. Based on the available evidence, this variant is classified as Pathogenic.

Literature cited by the submitters: PubMed 23807571 (cited by Labcorp Genetics (formerly Invitae), Labcorp); PubMed 25614872 (cited by Labcorp Genetics (formerly Invitae), Labcorp); PubMed 24556621 (cited by Labcorp Genetics (formerly Invitae), Labcorp); PubMed 28779002 (cited by Labcorp Genetics (formerly Invitae), Labcorp).

NM_000051.4(ATM):c.7777C>T (p.Gln2593Ter)

Genes: ATM (ATM serine/threonine kinase; plus strand), C11orf65 (chromosome 11 open reading frame 65; minus strand). Cytogenetic location: 11q22.3.
Variant type: single nucleotide variant.
Coding change: c.7777C>T on transcript NM_000051.4 (MANE Select); coding-DNA position 7777, C replaced by T.
Protein change: p.Gln2593Ter; replaces glutamine 2593 with a stop codon.
Molecular consequence: nonsense. On other transcripts: intron variant (2).
Genome position (GRCh38, 1-based): chr11:108,332,026, C>T. VCF-style: chr11-108332026-C-T. GRCh37 (hg19) VCF-style: chr11-108202753-C-T.
Other names: c.7777C>T, p.Gln2593Ter (NM_001351834.2); c.641-22955G>A (NM_001330368.2); c.*38+3194G>A (NM_001351110.2); short protein forms Q2593*.
Identifiers: ClinVar variation 490708 (VCV000490708.15), dbSNP rs781215442, ClinGen allele CA6266176.